The following is an entry in ClinVar:

ClinVar aggregate classification (germline): Likely benign (1 of 4 stars; one submission).

Conditions:
DNAH14-related disorder. Also called: DNAH14-related condition.

gnomAD v4.1: 189 of 1,546,692 alleles (0.012%); highest among the groups gnomAD compares: East Asian, 0.38%; no homozygotes.

Submission:

PreventionGenetics, part of Exact Sciences
Classification: Likely benign for DNAH14-related condition. Last evaluated: 2024-11-21. Review status: criteria provided, single submitter. Criteria: ACMG Guidelines, 2015. Collection method: clinical testing. Allele origin: germline.
Comment: This variant is classified as likely benign based on ACMG/AMP sequence variant interpretation guidelines (Richards et al. 2015 PMID: 25741868, with internal and published modifications).

NM_001367479.1(DNAH14):c.1151T>G (p.Leu384Arg)

Gene: DNAH14 (dynein axonemal heavy chain 14; plus strand). Cytogenetic location: 1q42.12.
Variant type: single nucleotide variant.
Coding change: c.1151T>G on transcript NM_001367479.1 (MANE Select); coding-DNA position 1151, T replaced by G.
Protein change: p.Leu384Arg; replaces leucine 384 with arginine.
Molecular consequence: missense variant.
Genome position (GRCh38, 1-based): chr1:225,023,658, T>G. VCF-style: chr1-225023658-T-G. GRCh37 (hg19) VCF-style: chr1-225211360-T-G.
Other names: NM_001373.1:c.1151T>G; c.1151T>G, p.Leu384Arg (NM_001145154.3); c.1082T>G, p.Leu361Arg (NM_001349911.2); short protein forms L384R, L361R.
Identifiers: ClinVar variation 4981739 (VCV004981739.1).